The following is an entry in ClinVar:

ClinVar aggregate classification (germline): Uncertain significance (1 of 4 stars; one submission).

Conditions:
Hereditary sensory and autonomic neuropathy type 1 (HSAN1). Also called: HSAN 1; HSN Type I; Hereditary Sensory Neuropathy Type I. Identifiers: Orphanet 36386, MedGen C0020071, MONDO:0018213.

Submission:

Labcorp Genetics (formerly Invitae), Labcorp
Classification: Uncertain significance for Hereditary sensory and autonomic neuropathy type 1. Last evaluated: 2022-08-04. Review status: criteria provided, single submitter. Criteria: Invitae Variant Classification Sherloc (09022015). Collection method: clinical testing. Allele origin: germline.
Comment: This variant is not present in population databases (gnomAD no frequency). In summary, the available evidence is currently insufficient to determine the role of this variant in disease. Therefore, it has been classified as a Variant of Uncertain Significance. Algorithms developed to predict the effect of sequence changes on RNA splicing suggest that this variant may disrupt the consensus splice site. This variant has not been reported in the literature in individuals affected with SPTLC1-related conditions. This sequence change creates a premature translational stop signal (p.Glu160*) in the SPTLC1 gene. It is expected to result in an absent or disrupted protein product. However, the current clinical and genetic evidence is not sufficient to establish whether loss-of-function variants in SPTLC1 cause disease.

NM_006415.4(SPTLC1):c.478G>T (p.Glu160Ter)

Gene: SPTLC1 (serine palmitoyltransferase long chain base subunit 1; minus strand). Cytogenetic location: 9q22.31.
Variant type: single nucleotide variant.
Coding change: c.478G>T on transcript NM_006415.4 (MANE Select); coding-DNA position 478, G replaced by T.
Protein change: p.Glu160Ter; replaces glutamic acid 160 with a stop codon.
Molecular consequence: nonsense.
Genome position (GRCh38, 1-based): chr9:92,068,048, C>A on the plus strand (G>T on the coding strand, the complement: SPTLC1 is on the minus strand). VCF-style: chr9-92068048-C-A. GRCh37 (hg19) VCF-style: chr9-94830330-C-A.
Other names: c.478G>T, p.Glu160Ter (NM_001281303.2); c.112G>T, p.Glu38Ter (NM_001368272.1); c.13G>T, p.Glu5Ter (NM_001368273.1); short protein forms E160*, E38*, E5*.
Identifiers: ClinVar variation 2021413 (VCV002021413.4), dbSNP rs760618687, ClinGen allele CA373798772.